The following is an entry in ClinVar:

ClinVar aggregate classification (germline): Pathogenic (1 of 4 stars; one submission).

Conditions:
Retinoblastoma (RB1). Also called: RETINOBLASTOMA, SOMATIC. Identifiers: Orphanet 790, MedGen C0035335, MeSH D012175, MONDO:0008380, OMIM 180200, HP:0009919. Disease mechanism: loss of function. Inheritance: Both sporadic and heritable forms are tested..

Submission:

Genetic Diagnostic Laboratory, University of Pennsylvania School of Medicine
Classification: Pathogenic for Retinoblastoma. Last evaluated: 2024-05-20. Review status: criteria provided, single submitter. Criteria: ACMG Guidelines, 2015. Collection method: clinical testing. Allele origin: germline. Affected: yes. Observed: 1 variant allele.
Comment: Case and Pedigree Information: BILATERAL CASES:1, UNILATERAL CASES:0, TOTAL CASES:1, PEDIGREES:1. ACMG Codes Applied:PVS1, PM2

NM_000321.3(RB1):c.1450_1451dup (p.Met484fs)

Gene: RB1 (RB transcriptional corepressor 1; plus strand). Cytogenetic location: 13q14.2.
Variant type: Microsatellite.
Coding change: c.1450_1451dup on transcript NM_000321.3 (MANE Select); coding-DNA positions 1450 to 1451, 2 bases duplicated (AT; older notation c.1450_1451dupAT).
Protein change: p.Met484fs; shifts the reading frame from methionine 484.
Molecular consequence: frameshift variant.
Genome position (GRCh38, 1-based): chr13:48,380,193-48,380,194, AT duplicated; duplicating any 2 consecutive bases within chr13:48,380,191-48,380,194 gives the same sequence; the c. name uses the placement nearest the transcript's 3' end. VCF-style (leftmost placement, unchanged base first): chr13-48380190-C-CAT. GRCh37 (hg19) VCF-style: chr13-48954326-C-CAT.
Other names: c.1450_1451dup, p.Met484fs (NM_001407165.1, NM_001407166.1); short protein forms M484fs.
Identifiers: ClinVar variation 3236991 (VCV003236991.1), dbSNP rs1948522792.
Genomic context (GRCh38, chr13:48,380,190, plus strand): 5'-GTAAGTATTTTATAATCTTTTTTTTTTTCCTTTAGCAAACTTCTGAATGACAACATTTTT[C>CAT]ATATGTCTTTATTGGCGTGCGCTCTTGAGGTTGTAATGGCCACATATAGCAGTAAGTTAA-3'